The following is an entry in ClinVar:

ClinVar aggregate classification (germline): Pathogenic (1 of 4 stars; one submission).

Conditions:
Neurofibromatosis, type 1 (NF1). Also called: Neurofibromatosis, type I; VON RECKLINGHAUSEN DISEASE; NEUROFIBROMATOSIS, TYPE I, SOMATIC; Peripheral type neurofibromatosis. Identifiers: Orphanet 636, MedGen C0027831, MONDO:0018975, OMIM 162200. Disease mechanism: loss of function.

Submission:

Labcorp Genetics (formerly Invitae), Labcorp
Classification: Pathogenic for Neurofibromatosis, type 1. Last evaluated: 2021-11-15. Review status: criteria provided, single submitter. Criteria: Invitae Variant Classification Sherloc (09022015). Collection method: clinical testing. Allele origin: germline.
Comment: For these reasons, this variant has been classified as Pathogenic. Algorithms developed to predict the effect of sequence changes on RNA splicing suggest that this variant may disrupt the consensus splice site. Disruption of this splice site has been observed in individual(s) with neurofibromatosis type 1 (Invitae). This variant is not present in population databases (gnomAD no frequency). This sequence change affects a donor splice site in intron 35 of the NF1 gene. It is expected to disrupt RNA splicing. Variants that disrupt the donor or acceptor splice site typically lead to a loss of protein function (PMID: 16199547), and loss-of-function variants in NF1 are known to be pathogenic (PMID: 10712197, 23913538).

Literature cited by the submitters: PubMed 16199547; PubMed 10712197; PubMed 23913538.

NM_001042492.3(NF1):c.4835+2T>C

Gene: NF1 (neurofibromin 1; plus strand). Cytogenetic location: 17q11.2.
Variant type: single nucleotide variant.
Coding change: c.4835+2T>C on transcript NM_001042492.3 (MANE Select); the canonical splice donor site of the intron after coding-DNA position 4835, T replaced by C.
Molecular consequence: splice donor variant.
Genome position (GRCh38, 1-based): chr17:31,265,341, T>C. VCF-style: chr17-31265341-T-C. GRCh37 (hg19) VCF-style: chr17-29592359-T-C.
Other names: c.4772+2T>C (NM_000267.4).
Identifiers: ClinVar variation 1455987 (VCV001455987.6), dbSNP rs2067767535, ClinGen allele CA399001396.